The following is an entry in ClinVar:

ClinVar aggregate classification (germline): Uncertain significance (1 of 4 stars; one submission).

Conditions:
Pyridoxal phosphate-responsive seizures (PNPOD). Also called: Pyridoxamine 5-Prime-Phosphate Oxidase Deficiency; Pyridoxine-5'-phosphate oxidase deficiency; Pyridoxal 5'-Phosphate (PLP)-Dependent Epilepsy; EPILEPTIC ENCEPHALOPATHY, NEONATAL, PNPO-RELATED; SEIZURES, PYRIDOXINE-RESISTANT, PLP-SENSITIVE. Identifiers: Orphanet 79096, MedGen C1864723, MONDO:0012407, OMIM 610090. Disease mechanism: loss of function.

Submission:

Labcorp Genetics (formerly Invitae), Labcorp
Classification: Uncertain significance for Pyridoxal phosphate-responsive seizures. Last evaluated: 2020-04-09. Review status: criteria provided, single submitter. Criteria: Invitae Variant Classification Sherloc (09022015). Collection method: clinical testing. Allele origin: germline.
Comment: In summary, the available evidence is currently insufficient to determine the role of this variant in disease. Therefore, it has been classified as a Variant of Uncertain Significance. This variant disrupts the p.Arg95 amino acid residue in PNPO. Other variant(s) that disrupt this residue have been determined to be pathogenic (PMID: 18485777, 24645144). This suggests that this residue is clinically significant, and that variants that disrupt this residue are likely to be disease-causing. Algorithms developed to predict the effect of missense changes on protein structure and function (SIFT, PolyPhen-2, Align-GVGD) all suggest that this variant is likely to be disruptive, but these predictions have not been confirmed by published functional studies and their clinical significance is uncertain. This variant has not been reported in the literature in individuals with PNPO-related conditions. This variant is not present in population databases (ExAC no frequency). This sequence change replaces arginine with serine at codon 95 of the PNPO protein (p.Arg95Ser). The arginine residue is highly conserved and there is a moderate physicochemical difference between arginine and serine.

Literature cited by the submitters: PubMed 18485777; PubMed 24645144.

NM_018129.4(PNPO):c.283C>A (p.Arg95Ser)

Gene: PNPO (pyridoxamine 5'-phosphate oxidase; plus strand). Cytogenetic location: 17q21.32.
Variant type: single nucleotide variant.
Coding change: c.283C>A on transcript NM_018129.4 (MANE Select); coding-DNA position 283, C replaced by A.
Protein change: p.Arg95Ser; replaces arginine 95 with serine.
Molecular consequence: missense variant.
Genome position (GRCh38, 1-based): chr17:47,944,635, C>A. VCF-style: chr17-47944635-C-A. GRCh37 (hg19) VCF-style: chr17-46022001-C-A.
Other names: short protein forms R95S.
Identifiers: ClinVar variation 1045066 (VCV001045066.8), dbSNP rs1483600034, ClinGen allele CA400056943.